The following is an entry in ClinVar:

ClinVar aggregate classification (germline): Uncertain significance. Review status: criteria provided, multiple submitters, no conflicts (2 of 4 stars). 6 submissions from 6 submitters: Uncertain significance (6). Last evaluated 2024-10-15.

Conditions:
Inborn genetic diseases. Identifiers: MedGen C0950123, MeSH D030342.
Autosomal recessive nonsyndromic hearing loss 59. Identifiers: Orphanet 90636, MedGen C1857744, MONDO:0012445, OMIM 610220.

Allele frequency attached by ClinVar (database versions not stated): ESP Exome Variant Server 0.00017; gnomAD 0.00017 and 0.00018; gnomAD exomes 0.00028; TOPMed 0.00028; ExAC 0.00030.
gnomAD v4.1: 330 of 1,613,838 alleles (0.02%); highest among the groups gnomAD compares: Admixed American, 0.028%; no homozygotes.

Submissions (6):

Blueprint Genetics
Classification: Uncertain significance. Last evaluated: 2024-10-15. Review status: criteria provided, single submitter. Criteria: ACMG Guidelines, 2015. Collection method: clinical testing. Allele origin: germline.

Ambry Genetics
Classification: Uncertain significance for Inborn genetic diseases. Last evaluated: 2024-09-14. Review status: criteria provided, single submitter. Criteria: Ambry Variant Classification Scheme 2023. Collection method: clinical testing. Allele origin: germline.

GeneDx
Classification: Uncertain significance. Last evaluated: 2024-05-30. Review status: criteria provided, single submitter. Criteria: GeneDx Variant Classification Process June 2021. Collection method: clinical testing. Allele origin: germline. Affected: yes.
Comment: In silico analysis indicates that this missense variant does not alter protein structure/function; Has not been previously published as pathogenic or benign to our knowledge

Labcorp Genetics (formerly Invitae), Labcorp
Classification: Uncertain significance. Last evaluated: 2022-08-07. Review status: criteria provided, single submitter. Criteria: Invitae Variant Classification Sherloc (09022015). Collection method: clinical testing. Allele origin: germline.
Comment: This sequence change replaces valine, which is neutral and non-polar, with isoleucine, which is neutral and non-polar, at codon 100 of the DFNB59 protein (p.Val100Ile). This variant is present in population databases (rs200516108, gnomAD 0.05%). This variant has not been reported in the literature in individuals affected with DFNB59-related conditions. ClinVar contains an entry for this variant (Variation ID: 332659). Algorithms developed to predict the effect of missense changes on protein structure and function are either unavailable or do not agree on the potential impact of this missense change (SIFT: "Deleterious"; PolyPhen-2: "Possibly Damaging"; Align-GVGD: "Class C0"). In summary, the available evidence is currently insufficient to determine the role of this variant in disease. Therefore, it has been classified as a Variant of Uncertain Significance.

Fulgent Genetics
Classification: Uncertain significance for Autosomal recessive nonsyndromic hearing loss 59. Last evaluated: 2021-07-14. Review status: criteria provided, single submitter. Criteria: ACMG Guidelines, 2015. Collection method: clinical testing. Allele origin: unknown.

Illumina Laboratory Services, Illumina
Classification: Uncertain significance for Autosomal recessive nonsyndromic hearing loss 59. Last evaluated: 2018-01-12. Review status: criteria provided, single submitter. Criteria: ICSL Variant Classification Criteria 13 December 2019. Collection method: clinical testing. Allele origin: germline.

NM_001042702.5(PJVK):c.298G>A (p.Val100Ile)

Gene: PJVK (pejvakin; plus strand). Cytogenetic location: 2q31.2.
Variant type: single nucleotide variant.
Coding change: c.298G>A on transcript NM_001042702.5 (MANE Select); coding-DNA position 298, G replaced by A.
Protein change: p.Val100Ile; replaces valine 100 with isoleucine.
Molecular consequence: missense variant. On other transcripts: 5 prime UTR variant (2).
Genome position (GRCh38, 1-based): chr2:178,454,418, G>A. VCF-style: chr2-178454418-G-A. GRCh37 (hg19) VCF-style: chr2-179319145-G-A.
Other names: c.307G>A, p.Val103Ile (NM_001353775.2); c.403G>A, p.Val135Ile (NM_001353776.2); c.-180G>A (NM_001353777.1, NM_001353778.2); c.298G>A, p.Val100Ile (NM_001369912.1); short protein forms V100I, V135I, V103I.
Identifiers: ClinVar variation 332659 (VCV000332659.12), dbSNP rs200516108, ClinGen allele CA1984163.
Genomic context (GRCh38, chr2:178,454,418, plus strand): 5'-TATGAAGATGAATCAGATGTTTCACTCTATGGAAGGCGAGGTAACCATATTGTAAATGAC[G>A]TTGGGATTAACGTTGCTGGATCAGATTCCATTGCAGTGAAAGCTTCATTTGGTATAGTAA-3'
Protein context (NP_001036167.1, residues 90-110): GRRGNHIVND[Val100Ile]GINVAGSDSI